The following is an entry in ClinVar:

NM_002435.3(MPI):c.335_338del (p.His112fs)

Gene: MPI (mannose phosphate isomerase; plus strand). Cytogenetic location: 15q24.1.
Variant type: Deletion.
Coding change: c.335_338del on transcript NM_002435.3 (MANE Select); coding-DNA positions 335 to 338, 4 bases deleted (ACCC; older notation c.335_338delACCC).
Protein change: p.His112fs; shifts the reading frame from histidine 112.
Molecular consequence: frameshift variant.
Genome position (GRCh38, 1-based): chr15:74,891,569-74,891,572, ACCC deleted; deleting any 4 consecutive bases within chr15:74,891,568-74,891,572 gives the same sequence; the c. name uses the placement nearest the transcript's 3' end. VCF-style (leftmost placement, unchanged base first): chr15-74891567-ACACC-A. GRCh37 (hg19) VCF-style: chr15-75183908-ACACC-A.
Other names: c.335_338del, p.His112fs (NM_001289155.2, NM_001289157.2); c.185_188del, p.His62fs (NM_001289156.2); c.275_278del, p.His92fs (NM_001330372.2); short protein forms H62fs, H92fs, H112fs.
Identifiers: ClinVar variation 1367639 (VCV001367639.6), dbSNP rs2141197839, ClinGen allele CA2573151159.

ClinVar aggregate classification (germline): Pathogenic (1 of 4 stars; one submission).

Conditions:
MPI-congenital disorder of glycosylation. Also called: CDG Ib; MANNOSEPHOSPHATE ISOMERASE DEFICIENCY; CONGENITAL DISORDER OF GLYCOSYLATION, TYPE Ib; MPI-CDG; PROTEIN-LOSING ENTEROPATHY-HEPATIC FIBROSIS SYNDROME; MPI DEFICIENCY. Identifiers: Orphanet 79319, MedGen C1865145, MONDO:0011257, OMIM 602579.

Submission:

Labcorp Genetics (formerly Invitae), Labcorp
Classification: Pathogenic for MPI-congenital disorder of glycosylation. Last evaluated: 2021-03-08. Review status: criteria provided, single submitter. Criteria: Invitae Variant Classification Sherloc (09022015). Collection method: clinical testing. Allele origin: germline.
Comment: For these reasons, this variant has been classified as Pathogenic. This variant has not been reported in the literature in individuals with MPI-related conditions. This sequence change creates a premature translational stop signal (p.His112Leufs*46) in the MPI gene. It is expected to result in an absent or disrupted protein product. Loss-of-function variants in MPI are known to be pathogenic (PMID: 19862844). This variant is not present in population databases (ExAC no frequency).

Literature cited by the submitters: PubMed 19862844.